The following is an entry in ClinVar:

ClinVar aggregate classification (germline): Uncertain significance. Review status: criteria provided, multiple submitters, no conflicts (2 of 4 stars). 2 submissions from 2 submitters: Uncertain significance (2). Last evaluated 2025-07-31.

Conditions:
Charcot-Marie-Tooth disease type 2. Also called: Charcot-Marie-Tooth type 2. Identifiers: Orphanet 64746, MedGen C0270914, MONDO:0018993.
Inborn genetic diseases. Identifiers: MedGen C0950123, MeSH D030342.

Allele frequency attached by ClinVar (database versions not stated): ESP Exome Variant Server 0.00008; TOPMed below 0.00001; gnomAD exomes below 0.00001.
gnomAD v4.1: 3 of 1,614,130 alleles (0.00019%); highest among the groups gnomAD compares: Non-Finnish European, 0.00025%; no homozygotes.

Submissions (2):

Ambry Genetics
Classification: Uncertain significance for Inborn genetic diseases. Last evaluated: 2025-07-31. Review status: criteria provided, single submitter. Criteria: Ambry Variant Classification Scheme 2023. Collection method: clinical testing. Allele origin: germline.

Labcorp Genetics (formerly Invitae), Labcorp
Classification: Uncertain significance for Charcot-Marie-Tooth disease type 2. Last evaluated: 2024-09-16. Review status: criteria provided, single submitter. Criteria: Invitae Variant Classification Sherloc (09022015). Collection method: clinical testing. Allele origin: germline.
Comment: This sequence change replaces glycine, which is neutral and non-polar, with serine, which is neutral and polar, at codon 454 of the AARS protein (p.Gly454Ser). This variant is not present in population databases (gnomAD no frequency). This variant has not been reported in the literature in individuals affected with AARS-related conditions. ClinVar contains an entry for this variant (Variation ID: 2419650). Invitae Evidence Modeling of protein sequence and biophysical properties (such as structural, functional, and spatial information, amino acid conservation, physicochemical variation, residue mobility, and thermodynamic stability) indicates that this missense variant is not expected to disrupt AARS protein function with a negative predictive value of 95%. In summary, the available evidence is currently insufficient to determine the role of this variant in disease. Therefore, it has been classified as a Variant of Uncertain Significance.

NM_001605.3(AARS1):c.1360G>A (p.Gly454Ser)

Gene: AARS1 (alanyl-tRNA synthetase 1; minus strand). Cytogenetic location: 16q22.1.
Variant type: single nucleotide variant.
Coding change: c.1360G>A on transcript NM_001605.3 (MANE Select); coding-DNA position 1360, G replaced by A.
Protein change: p.Gly454Ser; replaces glycine 454 with serine.
Molecular consequence: missense variant.
Genome position (GRCh38, 1-based): chr16:70,265,090, C>T on the plus strand (G>A on the coding strand, the complement: AARS1 is on the minus strand). VCF-style: chr16-70265090-C-T. GRCh37 (hg19) VCF-style: chr16-70298993-C-T.
Other names: short protein forms G454S.
Identifiers: ClinVar variation 2419650 (VCV002419650.7), dbSNP rs139276867, ClinGen allele CA283435649.